The following is an entry in ClinVar:

NM_001605.3(AARS1):c.137T>A (p.Met46Lys)

Gene: AARS1 (alanyl-tRNA synthetase 1; minus strand). Cytogenetic location: 16q22.1.
Variant type: single nucleotide variant.
Coding change: c.137T>A on transcript NM_001605.3 (MANE Select); coding-DNA position 137, T replaced by A.
Protein change: p.Met46Lys; replaces methionine 46 with lysine.
Molecular consequence: missense variant.
Genome position (GRCh38, 1-based): chr16:70,282,627, A>T on the plus strand (T>A on the coding strand, the complement: AARS1 is on the minus strand). VCF-style: chr16-70282627-A-T. GRCh37 (hg19) VCF-style: chr16-70316530-A-T.
Other names: short protein forms M46K.
Identifiers: ClinVar variation 3654003 (VCV003654003.2).

ClinVar aggregate classification (germline): Uncertain significance (1 of 4 stars; one submission).

Conditions:
Charcot-Marie-Tooth disease type 2. Also called: Charcot-Marie-Tooth type 2. Identifiers: Orphanet 64746, MedGen C0270914, MONDO:0018993.

Submission:

Labcorp Genetics (formerly Invitae), Labcorp
Classification: Uncertain significance for Charcot-Marie-Tooth disease type 2. Last evaluated: 2025-12-03. Review status: criteria provided, single submitter. Criteria: Invitae Variant Classification Sherloc (09022015). Collection method: clinical testing. Allele origin: germline.
Comment: This sequence change replaces methionine, which is neutral and non-polar, with lysine, which is basic and polar, at codon 46 of the AARS protein (p.Met46Lys). This variant is not present in population databases (gnomAD no frequency). This variant has not been reported in the literature in individuals affected with AARS-related conditions. ClinVar contains an entry for this variant (Variation ID: 3654003). Invitae Evidence Modeling of protein sequence and biophysical properties (such as structural, functional, and spatial information, amino acid conservation, physicochemical variation, residue mobility, and thermodynamic stability) indicates that this missense variant is expected to disrupt AARS protein function with a positive predictive value of 95%. In summary, the available evidence is currently insufficient to determine the role of this variant in disease. Therefore, it has been classified as a Variant of Uncertain Significance.